The following is an entry in ClinVar:

NM_030632.3(ASXL3):c.1189C>G (p.Gln397Glu)

Gene: ASXL3 (ASXL transcriptional regulator 3; plus strand). Cytogenetic location: 18q12.1.
Variant type: single nucleotide variant.
Coding change: c.1189C>G on transcript NM_030632.3 (MANE Select); coding-DNA position 1189, C replaced by G.
Protein change: p.Gln397Glu; replaces glutamine 397 with glutamic acid.
Molecular consequence: missense variant.
Genome position (GRCh38, 1-based): chr18:33,738,593, C>G. VCF-style: chr18-33738593-C-G. GRCh37 (hg19) VCF-style: chr18-31318557-C-G.
Other names: short protein forms Q397E.
Identifiers: ClinVar variation 4744137 (VCV004744137.1).
Genomic context (GRCh38, chr18:33,738,593, plus strand): 5'-AACAACGCTGGAGCTCAAAGTAGTTCTTCATGTGGGACTTCTGGCCTTCCAGTTTCTGCA[C>G]AGACAGCCTTGGCAGAACAACAGCCAAAAAGCATGAAAAGCCCAGCTTCTCCAGAGCCTG-3'
Protein context (NP_085135.1, residues 387-407): CGTSGLPVSA[Gln397Glu]TALAEQQPKS

ClinVar aggregate classification (germline): Uncertain significance (1 of 4 stars; one submission).

gnomAD v4.1: 1 of 1,613,894 alleles (0.000062%); highest among the groups gnomAD compares: East Asian, 0.0022%; no homozygotes.

Submission:

Labcorp Genetics (formerly Invitae), Labcorp
Classification: Uncertain significance. Last evaluated: 2025-12-10. Review status: criteria provided, single submitter. Criteria: Invitae Variant Classification Sherloc (09022015). Collection method: clinical testing. Allele origin: germline.
Comment: This sequence change replaces glutamine, which is neutral and polar, with glutamic acid, which is acidic and polar, at codon 397 of the ASXL3 protein (p.Gln397Glu). This variant is present in population databases (no rsID available, gnomAD 0.006%). This variant has not been reported in the literature in individuals affected with ASXL3-related conditions. Invitae Evidence Modeling of protein sequence and biophysical properties (such as structural, functional, and spatial information, amino acid conservation, physicochemical variation, residue mobility, and thermodynamic stability) indicates that this missense variant is not expected to disrupt ASXL3 protein function with a negative predictive value of 80%. In summary, the available evidence is currently insufficient to determine the role of this variant in disease. Therefore, it has been classified as a Variant of Uncertain Significance.